The following is an entry in ClinVar:

NM_005219.5(DIAPH1):c.646G>A (p.Glu216Lys)

Gene: DIAPH1 (diaphanous related formin 1; minus strand). Cytogenetic location: 5q31.3.
Variant type: single nucleotide variant.
Coding change: c.646G>A on transcript NM_005219.5 (MANE Select); coding-DNA position 646, G replaced by A.
Protein change: p.Glu216Lys; replaces glutamic acid 216 with lysine.
Molecular consequence: missense variant.
Genome position (GRCh38, 1-based): chr5:141,582,350, C>T on the plus strand (G>A on the coding strand, the complement: DIAPH1 is on the minus strand). VCF-style: chr5-141582350-C-T. GRCh37 (hg19) VCF-style: chr5-140961917-C-T.
Other names: c.619G>A, p.Glu207Lys (NM_001079812.3); c.646G>A, p.Glu216Lys (NM_001314007.2); short protein forms E207K, E216K.
Identifiers: ClinVar variation 2126368 (VCV002126368.4), dbSNP rs2513769436, ClinGen allele CA361539850.

ClinVar aggregate classification (germline): Uncertain significance (1 of 4 stars; one submission).

Conditions:
Progressive microcephaly-seizures-cortical blindness-developmental delay syndrome. Also called: Seizures, cortical blindness, and microcephaly syndrome. Identifiers: Orphanet 477814, MedGen C5567650, MONDO:0014714, OMIM 616632.
Autosomal dominant nonsyndromic hearing loss 1. Also called: DEAFNESS, AUTOSOMAL DOMINANT 1, WITH OR WITHOUT THROMBOCYTOPENIA; KONIGSMARK SYNDROME. Identifiers: Orphanet 90635, MedGen C1852282, MONDO:0007424, OMIM 124900.

Submission:

Labcorp Genetics (formerly Invitae), Labcorp
Classification: Uncertain significance for Progressive microcephaly-seizures-cortical blindness-developmental delay syndrome; Autosomal dominant nonsyndromic hearing loss 1. Last evaluated: 2022-04-18. Review status: criteria provided, single submitter. Criteria: Invitae Variant Classification Sherloc (09022015). Collection method: clinical testing. Allele origin: germline.
Comment: In summary, the available evidence is currently insufficient to determine the role of this variant in disease. Therefore, it has been classified as a Variant of Uncertain Significance. Algorithms developed to predict the effect of missense changes on protein structure and function are either unavailable or do not agree on the potential impact of this missense change (SIFT: "Deleterious"; PolyPhen-2: "Not Available"; Align-GVGD: "Class C0"). This variant has not been reported in the literature in individuals affected with DIAPH1-related conditions. This variant is not present in population databases (gnomAD no frequency). This sequence change replaces glutamic acid, which is acidic and polar, with lysine, which is basic and polar, at codon 216 of the DIAPH1 protein (p.Glu216Lys).